The following is an entry in ClinVar:

NM_001267550.2(TTN):c.68329G>C (p.Gly22777Arg)

Genes: TTN (titin; minus strand), TTN-AS1 (TTN antisense RNA 1; plus strand), LOC126806423 (CDK7 strongly-dependent group 2 enhancer GRCh37_chr2:179443309-179444508; plus strand). Cytogenetic location: 2q31.2.
Variant type: single nucleotide variant.
Coding change: c.68329G>C on transcript NM_001267550.2 (MANE Select); coding-DNA position 68329, G replaced by C.
Protein change: p.Gly22777Arg; replaces glycine 22777 with arginine.
Molecular consequence: missense variant.
Genome position (GRCh38, 1-based): chr2:178,578,611, C>G on the plus strand (G>C on the coding strand, the complement: TTN is on the minus strand). VCF-style: chr2-178578611-C-G. GRCh37 (hg19) VCF-style: chr2-179443338-C-G.
Other names: c.63406G>C, p.Gly21136Arg (NM_001256850.1); c.41134G>C, p.Gly13712Arg (NM_003319.4); c.60625G>C, p.Gly20209Arg (NM_133378.4); c.41509G>C, p.Gly13837Arg (NM_133432.3); c.41710G>C, p.Gly13904Arg (NM_133437.4); short protein forms G21136R, G22777R, G13837R, G20209R, G13712R, G13904R.
Identifiers: ClinVar variation 1439368 (VCV001439368.6), dbSNP rs2154174748, ClinGen allele CA349673092.

ClinVar aggregate classification (germline): Uncertain significance (1 of 4 stars; one submission).

Conditions:
Dilated cardiomyopathy 1G (CMD1G). Identifiers: Orphanet 154, MedGen C1858763, MONDO:0011400, OMIM 604145.
Autosomal recessive limb-girdle muscular dystrophy type 2J (LGMDR10). Also called: Limb-girdle muscular dystrophy, type 2J; MUSCULAR DYSTROPHY, LIMB-GIRDLE, AUTOSOMAL RECESSIVE 10. Identifiers: Orphanet 140922, MedGen C1837342, MONDO:0012127, OMIM 608807.

gnomAD v4.1: 2 of 1,606,678 alleles (0.00012%); highest among the groups gnomAD compares: African/African-American, 0.0013%; no homozygotes.

Submission:

Labcorp Genetics (formerly Invitae), Labcorp
Classification: Uncertain significance for Dilated cardiomyopathy 1G; Autosomal recessive limb-girdle muscular dystrophy type 2J. Last evaluated: 2021-07-21. Review status: criteria provided, single submitter. Criteria: Invitae Variant Classification Sherloc (09022015). Collection method: clinical testing. Allele origin: germline.
Comment: This variant has not been reported in the literature in individuals affected with TTN-related conditions. Experimental studies and prediction algorithms are not available or were not evaluated, and the functional significance of this variant is currently unknown. Nucleotide substitutions within the consensus splice site are a relatively common cause of aberrant splicing (PMID: 17576681, 9536098). Algorithms developed to predict the effect of sequence changes on RNA splicing suggest that this variant may disrupt the consensus splice site. In summary, the available evidence is currently insufficient to determine the role of this variant in disease. Therefore, it has been classified as a Variant of Uncertain Significance. This variant is located in the A band of TTN (PMID: 25589632). Variants in this region may be relevant for cardiac or neuromuscular disorders (PMID: 25589632, 23975875). This sequence change replaces glycine with arginine at codon 22777 of the TTN protein (p.Gly22777Arg). There is a moderate physicochemical difference between glycine and arginine. This variant also falls at the last nucleotide of exon 321, which is part of the consensus splice site for this exon. This variant is not present in population databases (ExAC no frequency).

Literature cited by the submitters: PubMed 17576681; PubMed 9536098; PubMed 25589632; PubMed 23975875.